The following is an entry in ClinVar:

NM_000342.3(SLC4A1):c.118G>A (p.Glu40Lys)

Gene: SLC4A1 (solute carrier family 4 member 1 (Diego blood group); minus strand). Cytogenetic location: 17q21.31.
Variant type: single nucleotide variant.
Coding change: c.118G>A on transcript NM_000342.3; coding-DNA position 118, G replaced by A.
Protein change: p.Glu40Lys; replaces glutamic acid 40 with lysine.
Molecular consequence: missense variant (on NM_000342.4).
Genome position (GRCh38, 1-based): chr17:44,261,625, C>T on the plus strand (G>A on the coding strand, the complement: SLC4A1 is on the minus strand). VCF-style: chr17-44261625-C-T. GRCh37 (hg19) VCF-style: chr17-42338993-C-T.
Other names: c.118G>A, p.Glu40Lys (NM_000342.4); short protein forms E40K.
Identifiers: ClinVar variation 17756 (VCV000017756.83), dbSNP rs45562031, ClinGen allele CA127375.

ClinVar aggregate classification (germline): Conflicting classifications of pathogenicity. Review status: criteria provided, conflicting classifications (1 of 4 stars). 17 submissions from 15 submitters: Likely pathogenic (1); Uncertain significance (1); Benign (9); Likely benign (3). 3 of the submissions do not count toward it. Last evaluated 2026-09-01.

Conditions:
SLC4A1-related disorder. Also called: SLC4A1-related condition; SLC4A1-related disorders.
Cryohydrocytosis. Also called: STOMATOCYTOSIS, COLD-SENSITIVE; Hereditary cryohydrocytosis with normal stomatin; CRYOHYDROCYTOSIS DUE TO BAND 3 HEMEL; CRYOHYDROCYTOSIS DUE TO BAND 3 HURSTPIERPOINT; CRYOHYDROCYTOSIS DUE TO BAND 3 BLACKBURN. Identifiers: Orphanet 398088, MedGen C1861453, MONDO:0008494, OMIM 185020.
Distal renal tubular acidosis. Identifiers: Orphanet 18, MedGen C1704380, MONDO:0015827, HP:0008341.
Hereditary spherocytosis type 4. Also called: SLC4A1-Related Spherocytosis. Identifiers: Orphanet 822, MedGen C2675212, MONDO:0012981, OMIM 612653.
Hemolytic anemia. Identifiers: MedGen C0002878, MONDO:0003664, HP:0001878.
Autosomal dominant distal renal tubular acidosis (DRTA1). Also called: RENAL TUBULAR ACIDOSIS, DISTAL, 1; RTA, CLASSIC TYPE; RTA, DISTAL TYPE, AUTOSOMAL DOMINANT; RTA, GRADIENT TYPE; Renal Tubular Acidosis, Type I. Identifiers: Orphanet 93608, MedGen CN280572, MONDO:0008368, OMIM 179800.

Allele frequency attached by ClinVar (database versions not stated): ExAC 0.01085; gnomAD exomes 0.01498 and 0.01049; gnomAD 0.01051 and 0.01150; TOPMed 0.01110; 1000 Genomes Project 0.00579; 1000 Genomes Project 30x 0.00625.
gnomAD v4.1: 23,414 of 1,614,150 alleles (1.5%); highest among the groups gnomAD compares: Non-Finnish European, 1.8%; 222 homozygotes.

Submissions (17):

CeGaT Center for Human Genetics Tuebingen
Classification: Benign. Last evaluated: 2026-09-01. Review status: criteria provided, single submitter. Criteria: CeGaT Center For Human Genetics Tuebingen Variant Classification Criteria Version 2. Collection method: clinical testing. Allele origin: germline. Affected: yes. Observed: 19 variant alleles.
Comment: SLC4A1: BP4, BS1, BS2

Labcorp Genetics (formerly Invitae), Labcorp
Classification: Benign. Last evaluated: 2026-01-28. Review status: criteria provided, single submitter. Criteria: Invitae Variant Classification Sherloc (09022015). Collection method: clinical testing. Allele origin: germline.

Mayo Clinic Laboratories, Mayo Clinic
Classification: Uncertain significance. Last evaluated: 2025-11-24. Review status: criteria provided, single submitter. Criteria: ACMG Guidelines, 2015. Collection method: clinical testing. Allele origin: germline. Observed: 55 variant alleles.
Comment: SLC4A1 c.118G>A p.(Glu40Lys): This missense variant also known as Band 3 Montefiore occurs in an acidic region of the N-terminus that contains binding sites for aldolase, phosphofructokinase, glyceraldehyde-3-phosphate dehydrogenase, denatured hemoglobins, and protein 4.2 (PMID:11049968). Functional studies indicate the alteration results in impaired binding to protein 4.2. Introduction of a positive charge by the E40K mutants may serve to disrupt the acidic protein 4.2-binding surface on cdAE1 (PMID:21039340). In a single case report, this mutation was detected in the homozygous state in a patient reported to have moderate and episodic nonimmune hemolytic anemia coincident with pregnancy and splenomegaly, spherocytosis, and increased osmotic fragility with a 88% decrease in protein 4.2. None of the heterozygous relatives were symptomatic and had a normal RBC membrane protein 4.2 content (PMID:8471774). This alteration is common in Europeans (MAF 1.8%) but is found at low frequencies in almost all other populations in gnomAD. Due to insufficient data available to clearly classify this variant as pathogenic or benign, it is categorized as a variant of uncertain significance.

Dasa
Classification: Benign. Last evaluated: 2025-10-09. Review status: criteria provided, single submitter. Criteria: DASA Assertion Criteria. Collection method: clinical testing. Allele origin: germline.
Comment: NM_000342.4(SLC4A1):c.118G>A (p.Glu40Lys) is a missense variant that results in the substitution of glutamic acid with lysine. Population frequency is inconsistent with a disease-causing role for this variant, and observations in unaffected individuals support a benign interpretation. Therefore, based on the currently available evidence, this variant is classified as benign.

Blueprint Genetics
Classification: Likely benign. Last evaluated: 2024-11-28. Review status: criteria provided, single submitter. Criteria: ACMG Guidelines, 2015. Collection method: clinical testing. Allele origin: germline.

ARUP Laboratories, Molecular Genetics and Genomics, ARUP Laboratories
Classification: Likely benign. Last evaluated: 2024-11-22. Review status: criteria provided, single submitter. Criteria: ARUP Molecular Germline Variant Investigation Process 2024. Collection method: clinical testing. Allele origin: germline.

Mendelics
Classification: Benign for Hereditary spherocytosis type 4. Last evaluated: 2023-08-22. Review status: criteria provided, single submitter. Criteria: Mendelics Assertion Criteria 2019. Collection method: clinical testing. Allele origin: germline.

Molecular Genetics, Royal Melbourne Hospital
Classification: Benign for Distal renal tubular acidosis. Last evaluated: 2023-06-06. Review status: criteria provided, single submitter. Criteria: ACMG Guidelines, 2015. Collection method: clinical testing. Allele origin: germline. Inheritance: Autosomal recessive inheritance. Affected: no.

GeneDx
Classification: Benign. Last evaluated: 2020-03-19. Review status: criteria provided, single submitter. Criteria: GeneDx Variant Classification Process June 2021. Collection method: clinical testing. Allele origin: germline. Affected: yes.
Comment: This variant is associated with the following publications: (PMID: 33226606, 31723846, 27535533, 27354418, 21039340, 16411779, 9207478, 8471774, 20981092)

Illumina Laboratory Services, Illumina
Classification: Benign for Hemolytic anemia. Last evaluated: 2018-03-06. Review status: criteria provided, single submitter. Criteria: ICSL Variant Classification Criteria 13 December 2019. Collection method: clinical testing. Allele origin: germline.
Comment: This variant was observed in the ICSL laboratory as part of a predisposition screen in an ostensibly healthy population. It had not been previously curated by ICSL or reported in the Human Gene Mutation Database (HGMD: prior to June 1st, 2018), and was therefore a candidate for classification through an automated scoring system. Utilizing variant allele frequency, disease prevalence and penetrance estimates, and inheritance mode, an automated score was calculated to assess if this variant is too frequent to cause the disease. Based on the score and internal cut-off values, a variant classified as benign is not then subjected to further curation. The score for this variant resulted in a classification of benign for this disease.

Illumina Laboratory Services, Illumina
Classification: Benign for Hereditary spherocytosis type 4. Last evaluated: 2018-03-06. Review status: criteria provided, single submitter. Criteria: ICSL Variant Classification Criteria 13 December 2019. Collection method: clinical testing. Allele origin: germline.
Comment: the same text as in the submission from Illumina Laboratory Services, Illumina above.

Illumina Laboratory Services, Illumina
Classification: Benign for Autosomal dominant distal renal tubular acidosis. Last evaluated: 2018-03-06. Review status: criteria provided, single submitter. Criteria: ICSL Variant Classification Criteria 13 December 2019. Collection method: clinical testing. Allele origin: germline.
Comment: the same text as in the submission from Illumina Laboratory Services, Illumina above.

Bioinformatics dept., Datar Cancer Genetics Limited, India
Classification: Likely pathogenic for Cryohydrocytosis. Last evaluated: 2017-06-23. Review status: criteria provided, single submitter. Criteria: ACMG Guidelines, 2015. Collection method: clinical testing. Allele origin: germline. Inheritance: Autosomal dominant inheritance. Observed: 1 variant allele, 1 compound heterozygote.

Broad Center for Mendelian Genomics, Broad Institute of MIT and Harvard
Classification: Likely benign for Hereditary spherocytosis type 4. Review status: criteria provided, single submitter. Criteria: ACMG Guidelines, 2015. Collection method: research. Allele origin: germline. Inheritance: Autosomal recessive inheritance. Affected: yes.
Comment: The homozygous p.Glu40Lys variant in SLC4A1 has been identified in an individual with a previous splenectomy (PMID: 8471774), but has been identified in >1% of European (non-Finnish) chromosomes and 3 homozygotes by ExAC. In summary, although additional studies are required to fully establish its clinical significance, this variant meets criteria to be classified as likely benign for autosomal recessive spherocytosis.

PreventionGenetics, part of Exact Sciences
Classification: Likely benign for SLC4A1-related condition. Last evaluated: 2023-05-31. Review status: no assertion criteria provided. Collection method: clinical testing. Allele origin: germline. Not counted in ClinVar's aggregate classification.
Comment: This variant is classified as likely benign based on ACMG/AMP sequence variant interpretation guidelines (Richards et al. 2015 PMID: 25741868, with internal and published modifications).

Department of Pathology and Laboratory Medicine, Sinai Health System
Classification: Likely benign. Review status: no assertion criteria provided. Collection method: clinical testing. Allele origin: unknown. Affected: yes. Study: The Canadian Open Genetics Repository (COGR). Not counted in ClinVar's aggregate classification.
Comment: The variant was identified in dbSNP (ID: rs45562031), LOVD 3.0 and ClinVar (classified as likely benign by PreventionGenetics and Illumina, as likely pathogenic by Bioinformatics dept., Datar Cancer Genetics Limited, India and as uncertain signifiicance by ARUP Laboratories and CeGaT Praxis fuer Humangenetik Tuebingen). The variant was identified in control databases in 3038 of 282752 chromosomes (17 homozygous) at a frequency of 0.010744 increasing the likelihood this could be a low frequency benign variant (Genome Aggregation Database March 6, 2019, v2.1.1). The variant was observed in the following populations: European (non-Finnish) in 2337 of 129084 chromosomes (freq: 0.0181), Other in 90 of 7228 chromosomes (freq: 0.01245), European (Finnish) in 234 of 25114 chromosomes (freq: 0.009318), Latino in 231 of 35438 chromosomes (freq: 0.006518), African in 74 of 24954 chromosomes (freq: 0.002965), South Asian in 63 of 30616 chromosomes (freq: 0.002058) and Ashkenazi Jewish in 9 of 10368 chromosomes (freq: 0.000868), but was not observed in the East Asian population. The p.Glu40 residue is not conserved in mammals and four out of five computational analyses (PolyPhen-2, SIFT, AlignGVGD, BLOSUM, MutationTaster) do not suggest a high likelihood of impact to the protein; however, this information is not predictive enough to rule out pathogenicity. The variant occurs outside of the splicing consensus sequence and three of four in silico or computational prediction software programs (SpliceSiteFinder, MaxEntScan, NNSPLICE, GeneSplicer) do not predict a greater than 10% difference in splicing; this is not very predictive of pathogenicity. In summary, based on the above information the clinical significance of this variant cannot be determined with certainty at this time although we would lean towards a more benign role for this variant. This variant is classified as likely benign.

OMIM
Classification: Pathogenic for SPHEROCYTOSIS, TYPE 4, DUE TO BAND 3 MONTEFIORE. Last evaluated: 1993-04-15. Review status: flagged submission. Collection method: literature only. Allele origin: germline. Not counted in ClinVar's aggregate classification.
ClinVar note: Reason: Outlier claim with insufficient supporting evidence

Literature cited by the submitters: PubMed 8471774 (cited by Bioinformatics dept., Datar Cancer Genetics Limited, India and OMIM); PubMed 21039340 (cited by Bioinformatics dept., Datar Cancer Genetics Limited, India).